The following is an entry in ClinVar:

ClinVar aggregate classification (germline): Uncertain significance (1 of 4 stars; one submission).

Conditions:
Developmental and epileptic encephalopathy, 30 (DEE30). Also called: Epileptic encephalopathy, early infantile, 30. Identifiers: MedGen C4225360, MONDO:0014595, OMIM 616341.

Submission:

Labcorp Genetics (formerly Invitae), Labcorp
Classification: Uncertain significance for Developmental and epileptic encephalopathy, 30. Last evaluated: 2020-05-20. Review status: criteria provided, single submitter. Criteria: Invitae Variant Classification Sherloc (09022015). Collection method: clinical testing. Allele origin: germline.
Comment: In summary, the available evidence is currently insufficient to determine the role of this variant in disease. Therefore, it has been classified as a Variant of Uncertain Significance. Algorithms developed to predict the effect of missense changes on protein structure and function are either unavailable or do not agree on the potential impact of this missense change (SIFT: "Tolerated"; PolyPhen-2: "Probably Damaging"; Align-GVGD: "Class C0"). This variant has not been reported in the literature in individuals with SIK1-related conditions. This variant is not present in population databases (ExAC no frequency). This sequence change replaces phenylalanine with leucine at codon 38 of the SIK1 protein (p.Phe38Leu). The phenylalanine residue is moderately conserved and there is a small physicochemical difference between phenylalanine and leucine.

NM_173354.5(SIK1):c.114C>A (p.Phe38Leu)

Gene: SIK1 (salt inducible kinase 1; minus strand). Cytogenetic location: 21q22.3.
Variant type: single nucleotide variant.
Coding change: c.114C>A on transcript NM_173354.5 (MANE Select); coding-DNA position 114, C replaced by A.
Protein change: p.Phe38Leu; replaces phenylalanine 38 with leucine.
Molecular consequence: missense variant.
Genome position (GRCh38, 1-based): chr21:43,426,065, G>T on the plus strand (C>A on the coding strand, the complement: SIK1 is on the minus strand). VCF-style: chr21-43426065-G-T. GRCh37 (hg19) VCF-style: chr21-44845945-G-T.
Other names: short protein forms F38L.
Identifiers: ClinVar variation 1044979 (VCV001044979.9), dbSNP rs1359524179, ClinGen allele CA410610983.